The following is an entry in ClinVar:

NM_000138.5(FBN1):c.8542A>G (p.Lys2848Glu)

Gene: FBN1 (fibrillin 1; minus strand). Cytogenetic location: 15q21.1.
Variant type: single nucleotide variant.
Coding change: c.8542A>G on transcript NM_000138.5 (MANE Select); coding-DNA position 8542, A replaced by G.
Protein change: p.Lys2848Glu; replaces lysine 2848 with glutamic acid.
Molecular consequence: missense variant.
Genome position (GRCh38, 1-based): chr15:48,411,064, T>C on the plus strand (A>G on the coding strand, the complement: FBN1 is on the minus strand). VCF-style: chr15-48411064-T-C. GRCh37 (hg19) VCF-style: chr15-48703261-T-C.
Other names: c.8542A>G, p.Lys2848Glu (NM_001406716.1); short protein forms K2848E.
Identifiers: ClinVar variation 3072515 (VCV003072515.3), dbSNP rs199846998, ClinGen allele CA392318598.

ClinVar aggregate classification (germline): Uncertain significance. Review status: criteria provided, multiple submitters, no conflicts (2 of 4 stars). 3 submissions from 3 submitters: Uncertain significance (3). Last evaluated 2025-09-15.

Conditions:
Marfan syndrome (MFS). Also called: MARFAN SYNDROME, TYPE I; Marfan syndrome type 1; Marfan's syndrome; Marfan syndrome, classic; FBN1-Related Marfan Syndrome. Identifiers: Orphanet 284963, Orphanet 558, MedGen C0024796, MONDO:0007947, OMIM 154700.
Familial thoracic aortic aneurysm and aortic dissection (TAAD). Also called: Thoracic aortic aneurysms and dissections. Identifiers: Orphanet 91387, MedGen C4707243, MONDO:0019625.

Submissions (3):

Labcorp Genetics (formerly Invitae), Labcorp
Classification: Uncertain significance for Marfan syndrome; Familial thoracic aortic aneurysm and aortic dissection. Last evaluated: 2025-09-15. Review status: criteria provided, single submitter. Criteria: Invitae Variant Classification Sherloc (09022015). Collection method: clinical testing. Allele origin: germline.
Comment: This sequence change replaces lysine, which is basic and polar, with glutamic acid, which is acidic and polar, at codon 2848 of the FBN1 protein (p.Lys2848Glu). This variant is not present in population databases (gnomAD no frequency). This variant has not been reported in the literature in individuals affected with FBN1-related conditions. ClinVar contains an entry for this variant (Variation ID: 3072515). Invitae Evidence Modeling of protein sequence and biophysical properties (such as structural, functional, and spatial information, amino acid conservation, physicochemical variation, residue mobility, and thermodynamic stability) indicates that this missense variant is not expected to disrupt FBN1 protein function with a negative predictive value of 95%. In summary, the available evidence is currently insufficient to determine the role of this variant in disease. Therefore, it has been classified as a Variant of Uncertain Significance.

Women's Health and Genetics/Laboratory Corporation of America, LabCorp
Classification: Uncertain significance. Last evaluated: 2024-10-21. Review status: criteria provided, single submitter. Criteria: LabCorp Variant Classification Summary - May 2015. Collection method: clinical testing. Allele origin: germline.
Comment: Variant summary: FBN1 c.8542A>G (p.Lys2848Glu) results in a conservative amino acid change in the encoded protein sequence. Four of five in-silico tools predict a benign effect of the variant on protein function. The variant was absent in 251174 control chromosomes. The available data on variant occurrences in the general population are insufficient to allow any conclusion about variant significance. To our knowledge, no occurrence of c.8542A>G in individuals affected with Marfan Syndrome and no experimental evidence demonstrating its impact on protein function have been reported. ClinVar contains an entry for this variant (Variation ID: 3072515). Based on the evidence outlined above, the variant was classified as uncertain significance.

All of Us Research Program, National Institutes of Health
Classification: Uncertain significance for Marfan syndrome. Last evaluated: 2023-08-15. Review status: criteria provided, single submitter. Criteria: ACMG Guidelines, 2015. Collection method: clinical testing. Allele origin: germline. Inheritance: Autosomal dominant inheritance. Observed: 1 variant allele, 1 heterozygote.
Comment: This study involves interpretation of variants in research participants for the purpose of population health screening. Participant phenotype was not available at the time of variant classification. Additional details can be found in publication PMID: 35346344, PMCID: PMC8962531